The following is an entry in ClinVar:

NM_032242.4(PLXNA1):c.3368C>T (p.Pro1123Leu)

Gene: PLXNA1 (plexin A1; plus strand). Cytogenetic location: 3q21.3.
Variant type: single nucleotide variant.
Coding change: c.3368C>T on transcript NM_032242.4 (MANE Select); coding-DNA position 3368, C replaced by T.
Protein change: p.Pro1123Leu; replaces proline 1123 with leucine.
Molecular consequence: missense variant.
Genome position (GRCh38, 1-based): chr3:127,017,516, C>T. VCF-style: chr3-127017516-C-T. GRCh37 (hg19) VCF-style: chr3-126736359-C-T.
Other names: c.3368C>T (NM_032242.3); short protein forms P1123L.
Identifiers: ClinVar variation 1434096 (VCV001434096.7), dbSNP rs144485621, ClinGen allele CA2593999.

ClinVar aggregate classification (germline): Uncertain significance. Review status: criteria provided, multiple submitters, no conflicts (2 of 4 stars). 4 submissions from 4 submitters: Uncertain significance (3). 1 of the submissions does not count toward it. Last evaluated 2024-10-01.

Conditions:
Parkinson disease (PD). Identifiers: MedGen C0030567, MeSH D010300, MONDO:0005180.
Parkinsonian disorder. Also called: Parkinsonism. Identifiers: MedGen C0242422, MONDO:0021095, HP:0001300.
Vascular parkinsonism. Identifiers: MedGen C0393568, MONDO:0956980.
PLXNA1-related disorder. Also called: PLXNA1-related condition.

Allele frequency attached by ClinVar (database versions not stated): gnomAD exomes 0.00011 and 0.00018; ExAC 0.00013; gnomAD 0.00017 and 0.00019; TOPMed 0.00019; ESP Exome Variant Server 0.00023.
gnomAD v4.1: 193 of 1,613,458 alleles (0.012%); highest among the groups gnomAD compares: Admixed American, 0.025%; no homozygotes.

Submissions (4):

The Egyptian Network for Neurodegenerative Diseases (ENND), The American University in Cairo
Classification: Uncertain significance for Vascular parkinsonism; Parkinsonian disorder; Parkinson disease. Last evaluated: 2024-10-01. Review status: criteria provided, single submitter. Criteria: ACMG Guidelines, 2015. Collection method: research. Allele origin: germline. Affected: yes.
Comment: This rare variant (MAF 0 in 1000 Genomes / 0.0002 in gnomAD) is currently classified as uncertain significance variant based on ACMG criteria. Mono-allelic PLXNA1 p.Glu1121Ter (c.G3361T) and p.R1122W, neighboring our mutation, were independently reported as the only prioritized variants in patients with late-onset parkinsonism (PMID:37397528). these 3 reported mutations in PD/parkinsonism patients are 3 consecutive (neighboring) amino acids, lying within a conserved region in IPT TIG 3 domain and all 3 were heterozygous. As VaP also overlaps with leukoencephalopathy, mono allelic mutations at (Arg1185Gln), (Arg1495Trp) and (Arg1748Cys) were reported in patients with leukoencephalopathy (PMID:34054129).The CADD score is 26.4, supporting potential deleteriousness.

Ambry Genetics
Classification: Uncertain significance. Last evaluated: 2022-12-05. Review status: criteria provided, single submitter. Criteria: Ambry Variant Classification Scheme 2023. Collection method: clinical testing. Allele origin: germline.

Labcorp Genetics (formerly Invitae), Labcorp
Classification: Uncertain significance. Last evaluated: 2022-07-26. Review status: criteria provided, single submitter. Criteria: Invitae Variant Classification Sherloc (09022015). Collection method: clinical testing. Allele origin: germline.
Comment: This sequence change replaces proline, which is neutral and non-polar, with leucine, which is neutral and non-polar, at codon 1123 of the PLXNA1 protein (p.Pro1123Leu). This variant is present in population databases (rs144485621, gnomAD 0.2%). This variant has not been reported in the literature in individuals affected with PLXNA1-related conditions. ClinVar contains an entry for this variant (Variation ID: 1434096). Algorithms developed to predict the effect of missense changes on protein structure and function are either unavailable or do not agree on the potential impact of this missense change (SIFT: "Tolerated"; PolyPhen-2: "Probably Damaging"; Align-GVGD: "Class C0"). In summary, the available evidence is currently insufficient to determine the role of this variant in disease. Therefore, it has been classified as a Variant of Uncertain Significance.

PreventionGenetics, part of Exact Sciences
Classification: Likely benign for PLXNA1-related condition. Last evaluated: 2022-04-05. Review status: no assertion criteria provided. Collection method: clinical testing. Allele origin: germline. Not counted in ClinVar's aggregate classification.
Comment: This variant is classified as likely benign based on ACMG/AMP sequence variant interpretation guidelines (Richards et al. 2015 PMID: 25741868, with internal and published modifications).

Literature cited by the submitters: PubMed 40786864 (cited by The Egyptian Network for Neurodegenerative Diseases (ENND), The American University in Cairo); PubMed 37397528 (cited by The Egyptian Network for Neurodegenerative Diseases (ENND), The American University in Cairo); PubMed 34054129 (cited by The Egyptian Network for Neurodegenerative Diseases (ENND), The American University in Cairo).